The following is an entry in ClinVar:

NM_014339.7(IL17RA):c.944-112G>A

Gene: IL17RA (interleukin 17 receptor A; plus strand). Cytogenetic location: 22q11.1.
Variant type: single nucleotide variant.
Coding change: c.944-112G>A on transcript NM_014339.7 (MANE Select); 112 bases into the intron before coding-DNA position 944, G replaced by A.
Molecular consequence: intron variant.
Genome position (GRCh38, 1-based): chr22:17,105,741, G>A. VCF-style: chr22-17105741-G-A. GRCh37 (hg19) VCF-style: chr22-17586631-G-A.
Other names: c.943+139G>A (NM_001289905.2).
Identifiers: ClinVar variation 2688023 (VCV002688023.2), dbSNP rs4819959, ClinGen allele CA14919232.

ClinVar aggregate classification (germline): Benign (1 of 4 stars; one submission).

Allele frequency attached by ClinVar (database versions not stated): TOPMed 0.49893; gnomAD 0.50129; gnomAD exomes 0.51586; 1000 Genomes Project 30x 0.55215; 1000 Genomes Project 0.55631.
gnomAD v4.1: 715,110 of 1,389,690 alleles (51%); highest among the groups gnomAD compares: East Asian, 79%; 187,425 homozygotes.

Submission:

Unidad de Genómica Garrahan, Hospital de Pediatría Garrahan
Classification: Benign. Last evaluated: 2024-01-24. Review status: criteria provided, single submitter. Criteria: ACMG Guidelines, 2015. Collection method: clinical testing. Allele origin: germline. Affected: no. Observed: 66 variant alleles.
Comment: This variant is classified as Benign based on local population frequency. This variant was detected in 69% of patients studied by a panel of primary immunodeficiencies. Number of patients: 66. Only high quality variants are reported.